The following is an entry in ClinVar:

NM_001145358.2(SIN3A):c.1620_1693dup (p.Tyr565delinsTrpAlaLeuLeuTrpArgTer)

Gene: SIN3A (SIN3 transcription regulator family member A; minus strand). Cytogenetic location: 15q24.2.
Variant type: Duplication.
Coding change: c.1620_1693dup on transcript NM_001145358.2 (MANE Select); coding-DNA positions 1620 to 1693, 74 bases duplicated.
Protein change: p.Tyr565delinsTrpAlaLeuLeuTrpArgTer.
Molecular consequence: nonsense.
Genome position (GRCh38, 1-based): chr15:75,400,774-75,400,847, 74 bases duplicated. GRCh37 (hg19): chr15:75,693,115-75,693,188.
Other names: c.1620_1693dup, p.Tyr565delinsTrpAlaLeuLeuTrpArgTer (NM_001145357.2, NM_001437462.1, NM_001437463.1 and 1 more transcripts).
Identifiers: ClinVar variation 4085039 (VCV004085039.8).

ClinVar aggregate classification (germline): Pathogenic (1 of 4 stars; one submission).

Submission:

CeGaT Center for Human Genetics Tuebingen
Classification: Pathogenic. Last evaluated: 2025-07-01. Review status: criteria provided, single submitter. Criteria: CeGaT Center For Human Genetics Tuebingen Variant Classification Criteria Version 2. Collection method: clinical testing. Allele origin: germline. Affected: yes. Observed: 1 variant allele.
Comment: SIN3A: PVS1, PM2, PS2:Moderate